The following is an entry in ClinVar:

ClinVar aggregate classification (germline): Uncertain significance. Review status: criteria provided, multiple submitters, no conflicts (2 of 4 stars). 2 submissions from 2 submitters: Uncertain significance (2). Last evaluated 2025-05-23.

Conditions:
Inborn genetic diseases. Identifiers: MedGen C0950123, MeSH D030342.

Allele frequency attached by ClinVar (database versions not stated): gnomAD exomes below 0.00001 and 0.00002; gnomAD 0.00001.
gnomAD v4.1: 28 of 1,613,902 alleles (0.0017%); highest among the groups gnomAD compares: Non-Finnish European, 0.0023%; no homozygotes.

Submissions (2):

Ambry Genetics
Classification: Uncertain significance for Inborn genetic diseases. Last evaluated: 2025-05-23. Review status: criteria provided, single submitter. Criteria: Ambry Variant Classification Scheme 2023. Collection method: clinical testing. Allele origin: germline.

Labcorp Genetics (formerly Invitae), Labcorp
Classification: Uncertain significance. Last evaluated: 2025-05-08. Review status: criteria provided, single submitter. Criteria: Invitae Variant Classification Sherloc (09022015). Collection method: clinical testing. Allele origin: germline.
Comment: This sequence change replaces glutamine, which is neutral and polar, with arginine, which is basic and polar, at codon 1767 of the DCHS1 protein (p.Gln1767Arg). This variant is present in population databases (no rsID available, gnomAD 0.002%). This variant has not been reported in the literature in individuals affected with DCHS1-related conditions. ClinVar contains an entry for this variant (Variation ID: 1498333). Invitae Evidence Modeling of protein sequence and biophysical properties (such as structural, functional, and spatial information, amino acid conservation, physicochemical variation, residue mobility, and thermodynamic stability) indicates that this missense variant is not expected to disrupt DCHS1 protein function with a negative predictive value of 95%. In summary, the available evidence is currently insufficient to determine the role of this variant in disease. Therefore, it has been classified as a Variant of Uncertain Significance.

NM_003737.4(DCHS1):c.5300A>G (p.Gln1767Arg)

Gene: DCHS1 (dachsous cadherin-related 1; minus strand). Cytogenetic location: 11p15.4.
Variant type: single nucleotide variant.
Coding change: c.5300A>G on transcript NM_003737.4 (MANE Select); coding-DNA position 5300, A replaced by G.
Protein change: p.Gln1767Arg; replaces glutamine 1767 with arginine.
Molecular consequence: missense variant.
Genome position (GRCh38, 1-based): chr11:6,628,692, T>C on the plus strand (A>G on the coding strand, the complement: DCHS1 is on the minus strand). VCF-style: chr11-6628692-T-C. GRCh37 (hg19) VCF-style: chr11-6649923-T-C.
Other names: c.5300A>G (NM_003737.2); short protein forms Q1767R.
Identifiers: ClinVar variation 1498333 (VCV001498333.9), dbSNP rs890944057, ClinGen allele CA217297579.